The following is an entry in ClinVar:

ClinVar aggregate classification (germline): Likely benign (0 of 4 stars; one submission).

Conditions:
HNF4A-related disorder. Also called: HNF4A-related condition.

Submission:

PreventionGenetics, part of Exact Sciences
Classification: Likely benign for HNF4A-related condition. Last evaluated: 2023-10-16. Review status: no assertion criteria provided. Collection method: clinical testing. Allele origin: germline.
Comment: This variant is classified as likely benign based on ACMG/AMP sequence variant interpretation guidelines (Richards et al. 2015 PMID: 25741868, with internal and published modifications).

NM_175914.5(HNF4A):c.952C>T (p.Leu318=)

Gene: HNF4A (hepatocyte nuclear factor 4 alpha; plus strand). Cytogenetic location: 20q13.12.
Variant type: single nucleotide variant.
Coding change: c.952C>T on transcript NM_175914.5 (MANE Select); coding-DNA position 952, C replaced by T.
Protein change: p.Leu318=; no amino-acid change (leucine 318 retained).
Molecular consequence: synonymous variant.
Genome position (GRCh38, 1-based): chr20:44,424,143, C>T. VCF-style: chr20-44424143-C-T. GRCh37 (hg19) VCF-style: chr20-43052783-C-T.
Other names: c.1018C>T, p.Leu340= (NM_000457.6, NM_178849.3, NM_178850.3); c.952C>T, p.Leu318= (NM_001030003.3, NM_001030004.3); c.997C>T, p.Leu333= (NM_001258355.2); c.943C>T, p.Leu315= (NM_001287182.2, NM_001287183.2, NM_001287184.2).
Identifiers: ClinVar variation 3031652 (VCV003031652.2), dbSNP rs2063786087, ClinGen allele CA510582992.
Genomic context (GRCh38, chr20:44,424,143, plus strand): 5'-GAGGACTACATCAACGACCGCCAGTATGACTCGCGTGGCCGCTTTGGAGAGCTGCTGCTG[C>T]TGCTGCCCACCTTGCAGAGCATCACCTGGCAGATGATCGAGCAGATCCAGTTCATCAAGC-3'
Protein context (NP_787110.2, residues 308-328): SRGRFGELLL[Leu318=]LPTLQSITWQ